The following is an entry in ClinVar:

ClinVar aggregate classification (germline): Uncertain significance (1 of 4 stars; one submission).

Conditions:
Snijders Blok-Campeau syndrome. Also called: INTELLECTUAL DEVELOPMENTAL DISORDER WITH MACROCEPHALY, SPEECH DELAY, AND DYSMORPHIC FACIES. Identifiers: Orphanet 599082, MedGen C4748701, MONDO:0032600, OMIM 618205.

Submission:

Institute of Human Genetics, University of Leipzig Medical Center
Classification: Uncertain significance for Snijders Blok-Campeau syndrome. Last evaluated: 2026-06-30. Review status: criteria provided, single submitter. Criteria: ACMG Guidelines, 2015. Collection method: clinical testing. Allele origin: unknown. Inheritance: Autosomal dominant inheritance. Affected: yes.
Comment: Criteria applied: PM2,PP2,PP3

NM_001005273.3(CHD3):c.3987G>T (p.Gln1329His)

Gene: CHD3 (chromodomain helicase DNA binding protein 3; plus strand). Cytogenetic location: 17p13.1.
Variant type: single nucleotide variant.
Coding change: c.3987G>T on transcript NM_001005273.3 (MANE Select); coding-DNA position 3987, G replaced by T.
Protein change: p.Gln1329His; replaces glutamine 1329 with histidine.
Molecular consequence: missense variant.
Genome position (GRCh38, 1-based): chr17:7,904,534, G>T. VCF-style: chr17-7904534-G-T. GRCh37 (hg19) VCF-style: chr17-7807852-G-T.
Other names: c.4164G>T, p.Gln1388His (NM_001005271.3, NM_001437504.1); c.4152G>T, p.Gln1384His (NM_001437507.1, NM_001437508.1, NM_001437509.1); c.3987G>T, p.Gln1329His (NM_005852.4); short protein forms Q1329H, Q1384H, Q1388H.
Identifiers: ClinVar variation 4879434 (VCV004879434.1).